The following is an entry in ClinVar:

NM_014319.5(LEMD3):c.986A>G (p.Asp329Gly)

Gene: LEMD3 (LEM domain containing 3; plus strand). Cytogenetic location: 12q14.3.
Variant type: single nucleotide variant.
Coding change: c.986A>G on transcript NM_014319.5 (MANE Select); coding-DNA position 986, A replaced by G.
Protein change: p.Asp329Gly; replaces aspartic acid 329 with glycine.
Molecular consequence: missense variant.
Genome position (GRCh38, 1-based): chr12:65,170,582, A>G. VCF-style: chr12-65170582-A-G. GRCh37 (hg19) VCF-style: chr12-65564362-A-G.
Other names: c.986A>G, p.Asp329Gly (NM_001167614.2); short protein forms D329G.
Identifiers: ClinVar variation 3645198 (VCV003645198.2).

ClinVar aggregate classification (germline): Uncertain significance (1 of 4 stars; one submission).

Submission:

Labcorp Genetics (formerly Invitae), Labcorp
Classification: Uncertain significance. Last evaluated: 2024-03-16. Review status: criteria provided, single submitter. Criteria: Invitae Variant Classification Sherloc (09022015). Collection method: clinical testing. Allele origin: germline.
Comment: This sequence change replaces aspartic acid, which is acidic and polar, with glycine, which is neutral and non-polar, at codon 329 of the LEMD3 protein (p.Asp329Gly). This variant is not present in population databases (gnomAD no frequency). This variant has not been reported in the literature in individuals affected with LEMD3-related conditions. Advanced modeling of protein sequence and biophysical properties (such as structural, functional, and spatial information, amino acid conservation, physicochemical variation, residue mobility, and thermodynamic stability) performed at Invitae indicates that this missense variant is not expected to disrupt LEMD3 protein function with a negative predictive value of 80%. In summary, the available evidence is currently insufficient to determine the role of this variant in disease. Therefore, it has been classified as a Variant of Uncertain Significance.